The following is an entry in ClinVar:

NM_000137.4(FAH):c.455+3A>T

Gene: FAH (fumarylacetoacetate hydrolase; plus strand). Cytogenetic location: 15q25.1.
Variant type: single nucleotide variant.
Coding change: c.455+3A>T on transcript NM_000137.4 (MANE Select); 3 bases into the intron after coding-DNA position 455, A replaced by T.
Molecular consequence: intron variant.
Genome position (GRCh38, 1-based): chr15:80,162,339, A>T. VCF-style: chr15-80162339-A-T. GRCh37 (hg19) VCF-style: chr15-80454681-A-T.
Other names: c.455+3A>T (NM_001374377.1, NM_001374380.1).
Identifiers: ClinVar variation 2413565 (VCV002413565.6), dbSNP rs779426726, ClinGen allele CA2580090063.

ClinVar aggregate classification (germline): Uncertain significance (1 of 4 stars; one submission).

Conditions:
Tyrosinemia type I (TYRSN1). Also called: HEPATORENAL TYROSINEMIA; Tyrosinemia type 1; Fumarylacetoacetase deficiency; Deficiency of fumarylacetoacetase; FAH DEFICIENCY. Identifiers: Orphanet 882, MedGen C0268490, MONDO:0010161, OMIM 276700. Disease mechanism: loss of function.

Submission:

Labcorp Genetics (formerly Invitae), Labcorp
Classification: Uncertain significance for Tyrosinemia type I. Last evaluated: 2022-05-13. Review status: criteria provided, single submitter. Criteria: Invitae Variant Classification Sherloc (09022015). Collection method: clinical testing. Allele origin: germline.
Comment: In summary, the available evidence is currently insufficient to determine the role of this variant in disease. Therefore, it has been classified as a Variant of Uncertain Significance. Variants that disrupt the consensus splice site are a relatively common cause of aberrant splicing (PMID: 17576681, 9536098). Algorithms developed to predict the effect of sequence changes on RNA splicing suggest that this variant may disrupt the consensus splice site. This variant has not been reported in the literature in individuals affected with FAH-related conditions. This variant is not present in population databases (gnomAD no frequency). This sequence change falls in intron 5 of the FAH gene. It does not directly change the encoded amino acid sequence of the FAH protein. It affects a nucleotide within the consensus splice site.

Literature cited by the submitters: PubMed 17576681; PubMed 9536098.